The following is an entry in ClinVar:

ClinVar aggregate classification (germline): Conflicting classifications of pathogenicity. Review status: criteria provided, conflicting classifications (1 of 4 stars). 2 submissions from 2 submitters: Uncertain significance (1); Likely benign (1). Last evaluated 2024-07-08.

Conditions:
Progressive myoclonic epilepsy type 7. Identifiers: Orphanet 435438, MedGen C4015420, MONDO:0014521, OMIM 616187.

Allele frequency attached by ClinVar (database versions not stated): gnomAD 0.00001; gnomAD exomes 0.00001; TOPMed 0.00001; ExAC 0.00005; ESP Exome Variant Server 0.00022.
gnomAD v4.1: 15 of 1,551,466 alleles (0.00097%); highest among the groups gnomAD compares: East Asian, 0.0098%; no homozygotes.

Submissions (2):

Labcorp Genetics (formerly Invitae), Labcorp
Classification: Uncertain significance for Progressive myoclonic epilepsy type 7. Last evaluated: 2024-07-08. Review status: criteria provided, single submitter. Criteria: Invitae Variant Classification Sherloc (09022015). Collection method: clinical testing. Allele origin: germline.
Comment: This sequence change replaces arginine, which is basic and polar, with cysteine, which is neutral and slightly polar, at codon 536 of the KCNC1 protein (p.Arg536Cys). This variant is present in population databases (rs370730720, gnomAD 0.01%). This variant has not been reported in the literature in individuals affected with KCNC1-related conditions. ClinVar contains an entry for this variant (Variation ID: 1450693). Advanced modeling of protein sequence and biophysical properties (such as structural, functional, and spatial information, amino acid conservation, physicochemical variation, residue mobility, and thermodynamic stability) performed at Invitae indicates that this missense variant is expected to disrupt KCNC1 protein function with a positive predictive value of 95%. In summary, the available evidence is currently insufficient to determine the role of this variant in disease. Therefore, it has been classified as a Variant of Uncertain Significance.

Blueprint Genetics
Classification: Likely benign. Last evaluated: 2023-01-27. Review status: criteria provided, single submitter. Criteria: ACMG Guidelines, 2015. Collection method: clinical testing. Allele origin: germline.

NM_001112741.2(KCNC1):c.1606C>T (p.Arg536Cys)

Gene: KCNC1 (potassium voltage-gated channel subfamily C member 1; plus strand). Cytogenetic location: 11p15.1.
Variant type: single nucleotide variant.
Coding change: c.1606C>T on transcript NM_001112741.2 (MANE Select); coding-DNA position 1606, C replaced by T.
Protein change: p.Arg536Cys; replaces arginine 536 with cysteine.
Molecular consequence: missense variant.
Genome position (GRCh38, 1-based): chr11:17,779,557, C>T. VCF-style: chr11-17779557-C-T. GRCh37 (hg19) VCF-style: chr11-17801104-C-T.
Other names: short protein forms R536C.
Identifiers: ClinVar variation 1450693 (VCV001450693.8), dbSNP rs370730720, ClinGen allele CA5906846.